The following is an entry in ClinVar:

ClinVar aggregate classification (germline): Likely benign. Review status: criteria provided, multiple submitters, no conflicts (2 of 4 stars). 5 submissions from 5 submitters: Likely benign (4). 1 of the submissions does not count toward it. Last evaluated 2026-02-01.

Conditions:
Fanconi anemia (FA). Also called: Fanconi's anemia. Identifiers: Orphanet 84, MedGen C0015625, MeSH D005199, MONDO:0019391.
Fanconi anemia complementation group P. Also called: SLX4-Related Fanconi Anemia. Identifiers: Orphanet 84, MedGen C3469542, MONDO:0013499, OMIM 613951.

Allele frequency attached by ClinVar (database versions not stated): ESP Exome Variant Server 0.00015; ExAC 0.00018; TOPMed 0.00018; gnomAD 0.00019 and 0.00020; gnomAD exomes 0.00019 and 0.00044.
gnomAD v4.1: 672 of 1,614,124 alleles (0.042%); highest among the groups gnomAD compares: Non-Finnish European, 0.054%; 1 homozygote.

Submissions (5):

CeGaT Center for Human Genetics Tuebingen
Classification: Likely benign. Last evaluated: 2026-02-01. Review status: criteria provided, single submitter. Criteria: CeGaT Center For Human Genetics Tuebingen Variant Classification Criteria Version 2. Collection method: clinical testing. Allele origin: germline. Affected: yes. Observed: 2 variant alleles.
Comment: SLX4: BP4, BP7

Labcorp Genetics (formerly Invitae), Labcorp
Classification: Likely benign for Fanconi anemia. Last evaluated: 2026-01-30. Review status: criteria provided, single submitter. Criteria: Invitae Variant Classification Sherloc (09022015). Collection method: clinical testing. Allele origin: germline.

Blueprint Genetics
Classification: Likely benign. Last evaluated: 2024-11-22. Review status: criteria provided, single submitter. Criteria: ACMG Guidelines, 2015. Collection method: clinical testing. Allele origin: germline.

Fulgent Genetics
Classification: Likely benign for Fanconi anemia complementation group P. Last evaluated: 2021-07-21. Review status: criteria provided, single submitter. Criteria: ACMG Guidelines, 2015. Collection method: clinical testing. Allele origin: unknown.

Leiden Open Variation Database
Classification: Likely benign. Last evaluated: 2012-08-31. Review status: no assertion criteria provided. Collection method: curation. Allele origin: germline. Affected: yes. Not counted in ClinVar's aggregate classification.
Comment: Curator: Arleen D. Auerbach. Submitter to LOVD: Janine Bakker.

Literature cited by the submitters: PubMed 22911665 (cited by Leiden Open Variation Database).

NM_032444.4(SLX4):c.465A>G (p.Glu155=)

Gene: SLX4 (SLX4 structure-specific endonuclease subunit; minus strand). Cytogenetic location: 16p13.3.
Variant type: single nucleotide variant.
Coding change: c.465A>G on transcript NM_032444.4 (MANE Select); coding-DNA position 465, A replaced by G.
Protein change: p.Glu155=; no amino-acid change (glutamic acid 155 retained).
Molecular consequence: synonymous variant.
Genome position (GRCh38, 1-based): chr16:3,608,500, T>C on the plus strand (A>G on the coding strand, the complement: SLX4 is on the minus strand). VCF-style: chr16-3608500-T-C. GRCh37 (hg19) VCF-style: chr16-3658501-T-C.
Other names: c.465A>G (LRG_503t1).
Identifiers: ClinVar variation 456328 (VCV000456328.38), dbSNP rs138512851, ClinGen allele CA7866865.